The following is an entry in ClinVar:

ClinVar aggregate classification (germline): Uncertain significance (1 of 4 stars; one submission).

Conditions:
Malignant hyperthermia, susceptibility to, 1 (MHS1). Also called: RYR1-Related Malignant Hyperthermia Susceptibility; Malignant hyperthermia suceptibility 1; Anesthesia related hyperthermia; Malignant hyperpyrexia; Fulminating hyperpyrexia; Pharmacogenic myopathy. Identifiers: Orphanet 423, MedGen C2930980, MONDO:0007783, OMIM 145600.

Submission:

Color Diagnostics, LLC DBA Color Health
Classification: Uncertain significance for Malignant hyperthermia, susceptibility to, 1. Last evaluated: 2025-05-13. Review status: criteria provided, single submitter. Criteria: ACMG Guidelines, 2015. Collection method: clinical testing. Allele origin: germline.
Comment: This variant deletes 3 nucleotides and inserts 2 nucleotides at the +6 through +8 positions in intron 12 of the RYR1 gene. To our knowledge, RNA studies have not been reported for this variant. This variant has not been reported in individuals affected with RYR1-related disorders in the literature. This variant has not been identified in the general population by the Genome Aggregation Database (gnomAD). The available evidence is insufficient to determine the role of this variant in disease conclusively. Therefore, this variant is classified as a Variant of Uncertain Significance.

NM_000540.3(RYR1):c.1244+6_1244+8delinsAT

Gene: RYR1 (ryanodine receptor 1; plus strand). Cytogenetic location: 19q13.2.
Variant type: Indel.
Coding change: c.1244+6_1244+8delinsAT on transcript NM_000540.3 (MANE Select); bases 6 to 8 of the intron after coding-DNA position 1244, CAA replaced by AT.
Molecular consequence: intron variant.
Genome position (GRCh38, 1-based): chr19:38,451,891-38,451,893, CAA replaced by AT. VCF-style: chr19-38451891-CAA-AT. GRCh37 (hg19) VCF-style: chr19-38942531-CAA-AT.
Other names: c.1244+6_1244+8delinsAT (NM_001042723.2).
Identifiers: ClinVar variation 4756790 (VCV004756790.1).